The following is an entry in ClinVar:

NM_017763.6(RNF43):c.669C>T (p.Arg223=)

Gene: RNF43 (ring finger protein 43; minus strand). Cytogenetic location: 17q22.
Variant type: single nucleotide variant.
Coding change: c.669C>T on transcript NM_017763.6 (MANE Select); coding-DNA position 669, C replaced by T.
Protein change: p.Arg223=; no amino-acid change (arginine 223 retained).
Molecular consequence: synonymous variant.
Genome position (GRCh38, 1-based): chr17:58,362,562, G>A on the plus strand (C>T on the coding strand, the complement: RNF43 is on the minus strand). VCF-style: chr17-58362562-G-A. GRCh37 (hg19) VCF-style: chr17-56439923-G-A.
Other names: c.669C>T, p.Arg223= (NM_001305544.3); c.288C>T, p.Arg96= (NM_001305545.2).
Identifiers: ClinVar variation 1577082 (VCV001577082.10), dbSNP rs758704321, ClinGen allele CA8673350.

ClinVar aggregate classification (germline): Benign/Likely benign. Review status: criteria provided, multiple submitters, no conflicts (2 of 4 stars). 3 submissions from 3 submitters: Benign (1); Likely benign (2). Last evaluated 2026-06-30.

Conditions:
Sessile serrated polyposis cancer syndrome (SSPCS). Identifiers: Orphanet 157798, MedGen C4310714, MONDO:0014919, OMIM 617108.

Allele frequency attached by ClinVar (database versions not stated): ExAC 0.00002; gnomAD exomes below 0.00001 and 0.00002.
gnomAD v4.1: 7 of 1,607,812 alleles (0.00044%); highest among the groups gnomAD compares: East Asian, 0.0067%; no homozygotes.

Submissions (3):

Myriad Genetics, Inc.
Classification: Benign for Sessile serrated polyposis cancer syndrome. Last evaluated: 2026-06-30. Review status: criteria provided, single submitter. Criteria: Myriad Autosomal Dominant, Autosomal Recessive and X-Linked Classification Criteria (2023). Collection method: clinical testing. Allele origin: unknown.
Comment: This variant is considered benign. This variant is a silent/synonymous amino acid change and it is not expected to impact splicing.

Ambry Genetics
Classification: Likely benign. Last evaluated: 2025-03-03. Review status: criteria provided, single submitter. Criteria: Ambry Variant Classification Scheme 2023. Collection method: clinical testing. Allele origin: germline.

Labcorp Genetics (formerly Invitae), Labcorp
Classification: Likely benign. Last evaluated: 2024-09-23. Review status: criteria provided, single submitter. Criteria: Invitae Variant Classification Sherloc (09022015). Collection method: clinical testing. Allele origin: germline.